The following is an entry in ClinVar:

NM_015338.6(ASXL1):c.3559G>A (p.Gly1187Ser)

Gene: ASXL1 (ASXL transcriptional regulator 1; plus strand). Cytogenetic location: 20q11.21.
Variant type: single nucleotide variant.
Coding change: c.3559G>A on transcript NM_015338.6 (MANE Select); coding-DNA position 3559, G replaced by A.
Protein change: p.Gly1187Ser; replaces glycine 1187 with serine.
Molecular consequence: missense variant.
Genome position (GRCh38, 1-based): chr20:32,436,271, G>A. VCF-style: chr20-32436271-G-A. GRCh37 (hg19) VCF-style: chr20-31024074-G-A.
Other names: c.3376G>A, p.Gly1126Ser (NM_001363734.1); short protein forms G1126S, G1187S.
Identifiers: ClinVar variation 3955967 (VCV003955967.1).
Genomic context (GRCh38, chr20:32,436,271, plus strand): 5'-CCCAGTTCTTTAAGGGCTTTGAAGGAGCCTCTTCTGCCAGATAGCTGTGAAACAGGCACT[G>A]GTCTTGCCAGGATTGAGGCCACCCAGGCTCCTGGAGCACCCCAAAAGAATTGCAAGGCAG-3'
Protein context (NP_056153.2, residues 1177-1197): LLPDSCETGT[Gly1187Ser]LARIEATQAP

ClinVar aggregate classification (germline): Uncertain significance (1 of 4 stars; one submission).

Conditions:
Inborn genetic diseases. Identifiers: MedGen C0950123, MeSH D030342.

gnomAD v4.1: 2 of 1,614,196 alleles (0.00012%); highest among the groups gnomAD compares: Non-Finnish European, 0.00017%; no homozygotes.

Submission:

Ambry Genetics
Classification: Uncertain significance for Inborn genetic diseases. Last evaluated: 2025-04-07. Review status: criteria provided, single submitter. Criteria: Ambry Variant Classification Scheme 2023. Collection method: clinical testing. Allele origin: germline.
Comment: The p.G1187S variant (also known as c.3559G>A), located in coding exon 13 of the ASXL1 gene, results from a G to A substitution at nucleotide position 3559. The glycine at codon 1187 is replaced by serine, an amino acid with similar properties. This amino acid position is conserved. In addition, this alteration is predicted to be tolerated by in silico analysis. Based on the available evidence, the clinical significance of this variant remains unclear.